The following is an entry in ClinVar:

ClinVar aggregate classification (germline): Pathogenic (1 of 4 stars; one submission).

Submission:

GeneDx
Classification: Pathogenic. Last evaluated: 2017-05-12. Review status: criteria provided, single submitter. Criteria: GeneDx Variant Classification (06012015). Collection method: clinical testing. Allele origin: germline. Affected: yes.
Comment: The c.4546_4549delAAGC pathogenic variant in the TSC2 gene causes a frameshift starting with codon Lysine 1516, changes this amino acid to a Glutamine residue and creates a premature Stop codon at position 59 of the new reading frame, denoted p.Lys1516GlnfsX59. This pathogenic variant is predicted to cause loss of normal protein function either through protein truncation or nonsense-mediated mRNA decay. Additionally, it was not observed in approximately 6,500 individuals of European and African American ancestry in the NHLBI Exome Sequencing Project, indicating it is not a common benign variant in these populations. Although this pathogenic variant has not been previously reported to our knowledge, other frameshift variants have been reported in the TSC2 gene in association with tuberous sclerosis (Stenson et al., 2014).

NM_000548.5(TSC2):c.4546_4549del (p.Lys1516fs)

Gene: TSC2 (TSC complex subunit 2; plus strand). Cytogenetic location: 16p13.3.
Variant type: Deletion.
Coding change: c.4546_4549del on transcript NM_000548.5 (MANE Select); coding-DNA positions 4546 to 4549, 4 bases deleted (AAGC; older notation c.4546_4549delAAGC).
Protein change: p.Lys1516fs; shifts the reading frame from lysine 1516.
Molecular consequence: frameshift variant.
Genome position (GRCh38, 1-based): chr16:2,085,003-2,085,006, AAGC deleted; deleting any 4 consecutive bases within chr16:2,085,002-2,085,006 gives the same sequence; the c. name uses the placement nearest the transcript's 3' end. VCF-style (leftmost placement, unchanged base first): chr16-2085001-ACAAG-A. GRCh37 (hg19) VCF-style: chr16-2135002-ACAAG-A.
Other names: c.4345_4348del, p.Lys1449fs (NM_001077183.3); c.4477_4480del, p.Lys1493fs (NM_001114382.3); c.4237_4240del, p.Lys1413fs (NM_001318827.2); c.4201_4204del, p.Lys1401fs (NM_001318829.2); c.3814_3817del, p.Lys1272fs (NM_001318831.2); c.4378_4381del, p.Lys1460fs (NM_001318832.2); c.4348_4351del, p.Lys1450fs (NM_001363528.2); c.4414_4417del, p.Lys1472fs (NM_001370404.1); and 1 more; short protein forms K1413fs, K1473fs, K1493fs, K1449fs, K1450fs, K1516fs, K1272fs, K1460fs.
Identifiers: ClinVar variation 280434 (VCV000280434.2), dbSNP rs886041643, ClinGen allele CA10603313.